The following is an entry in ClinVar:

ClinVar aggregate classification (germline): Uncertain significance (1 of 4 stars; one submission).

gnomAD v4.1: 1 of 1,614,224 alleles (0.000062%); highest among the groups gnomAD compares: African/African-American, 0.0013%; no homozygotes.

Submission:

Labcorp Genetics (formerly Invitae), Labcorp
Classification: Uncertain significance. Last evaluated: 2026-01-14. Review status: criteria provided, single submitter. Criteria: Invitae Variant Classification Sherloc (09022015). Collection method: clinical testing. Allele origin: germline.
Comment: This sequence change replaces tyrosine, which is neutral and polar, with phenylalanine, which is neutral and non-polar, at codon 102 of the OPA1 protein (p.Tyr102Phe). This variant is not present in population databases (gnomAD no frequency). This variant has not been reported in the literature in individuals affected with OPA1-related conditions. Invitae Evidence Modeling of protein sequence and biophysical properties (such as structural, functional, and spatial information, amino acid conservation, physicochemical variation, residue mobility, and thermodynamic stability) indicates that this missense variant is expected to disrupt OPA1 protein function with a positive predictive value of 80%. In summary, the available evidence is currently insufficient to determine the role of this variant in disease. Therefore, it has been classified as a Variant of Uncertain Significance.

NM_130837.3(OPA1):c.305A>T (p.Tyr102Phe)

Gene: OPA1 (OPA1 mitochondrial dynamin like GTPase; plus strand). Cytogenetic location: 3q29.
Variant type: single nucleotide variant.
Coding change: c.305A>T on transcript NM_130837.3 (MANE Select); coding-DNA position 305, A replaced by T.
Protein change: p.Tyr102Phe; replaces tyrosine 102 with phenylalanine.
Molecular consequence: missense variant. On other transcripts: 5 prime UTR variant (2).
Genome position (GRCh38, 1-based): chr3:193,614,995, A>T. VCF-style: chr3-193614995-A-T. GRCh37 (hg19) VCF-style: chr3-193332784-A-T.
Other names: c.-68A>T (NM_001354663.2, NM_001354664.2); c.305A>T, p.Tyr102Phe (NM_015560.3, NM_130831.3, NM_130832.3 and 4 more transcripts); short protein forms Y102F.
Identifiers: ClinVar variation 4770112 (VCV004770112.1).